The following is an entry in ClinVar:

NM_001037131.3(AGAP1):c.538+4A>G

Gene: AGAP1 (ArfGAP with GTPase domain, ankyrin repeat and PH domain 1; plus strand). Cytogenetic location: 2q37.2.
Variant type: single nucleotide variant.
Coding change: c.538+4A>G on transcript NM_001037131.3 (MANE Select); 4 bases into the intron after coding-DNA position 538, A replaced by G.
Molecular consequence: intron variant.
Genome position (GRCh38, 1-based): chr2:235,744,843, A>G. VCF-style: chr2-235744843-A-G. GRCh37 (hg19) VCF-style: chr2-236653487-A-G.
Other names: c.538+4A>G (NM_014914.5, NM_001244888.2).
Identifiers: ClinVar variation 3015317 (VCV003015317.3), dbSNP rs575855431, ClinGen allele CA2184406.

ClinVar aggregate classification (germline): Uncertain significance (1 of 4 stars; one submission).

Allele frequency attached by ClinVar (database versions not stated): gnomAD 0.00005; ExAC 0.00006; 1000 Genomes Project 30x 0.00016; TOPMed 0.00005; gnomAD exomes 0.00016; 1000 Genomes Project 0.00020.
gnomAD v4.1: 233 of 1,613,990 alleles (0.014%); highest among the groups gnomAD compares: Non-Finnish European, 0.019%; no homozygotes.

Submission:

Labcorp Genetics (formerly Invitae), Labcorp
Classification: Uncertain significance. Last evaluated: 2025-02-09. Review status: criteria provided, single submitter. Criteria: Invitae Variant Classification Sherloc (09022015). Collection method: clinical testing. Allele origin: germline.
Comment: This sequence change falls in intron 5 of the AGAP1 gene. It does not directly change the encoded amino acid sequence of the AGAP1 protein. It affects a nucleotide within the consensus splice site. This variant is present in population databases (rs575855431, gnomAD 0.008%). This variant has not been reported in the literature in individuals affected with AGAP1-related conditions. ClinVar contains an entry for this variant (Variation ID: 3015317). Variants that disrupt the consensus splice site are a relatively common cause of aberrant splicing (PMID: 17576681, 9536098). Algorithms developed to predict the effect of sequence changes on RNA splicing suggest that this variant may create or strengthen a splice site. In summary, the available evidence is currently insufficient to determine the role of this variant in disease. Therefore, it has been classified as a Variant of Uncertain Significance.

Literature cited by the submitters: PubMed 17576681; PubMed 9536098.